The following is an entry in ClinVar:

NM_000088.4(COL1A1):c.121G>A (p.Val41Ile)

Gene: COL1A1 (collagen type I alpha 1 chain; minus strand). Cytogenetic location: 17q21.33.
Variant type: single nucleotide variant.
Coding change: c.121G>A on transcript NM_000088.4 (MANE Select); coding-DNA position 121, G replaced by A.
Protein change: p.Val41Ile; replaces valine 41 with isoleucine.
Molecular consequence: missense variant.
Genome position (GRCh38, 1-based): chr17:50,199,930, C>T on the plus strand (G>A on the coding strand, the complement: COL1A1 is on the minus strand). VCF-style: chr17-50199930-C-T. GRCh37 (hg19) VCF-style: chr17-48277291-C-T.
Other names: short protein forms V41I.
Identifiers: ClinVar variation 1399565 (VCV001399565.8), dbSNP rs2144594757, ClinGen allele CA400228671.

ClinVar aggregate classification (germline): Uncertain significance (1 of 4 stars; one submission).

Conditions:
Osteogenesis imperfecta type I (OI1). Also called: Lobstein disease; Classic Non-deforming Osteogenesis Imperfecta with Blue Sclerae; OI, TYPE I; OSTEOGENESIS IMPERFECTA TARDA; OSTEOGENESIS IMPERFECTA WITH BLUE SCLERAE; Osteogenesis imperfecta type 1. Identifiers: Orphanet 216796, Orphanet 666, MedGen C0023931, MONDO:0008146, OMIM 166200. Disease mechanism: loss of function.

Submission:

Labcorp Genetics (formerly Invitae), Labcorp
Classification: Uncertain significance for Osteogenesis imperfecta type I. Last evaluated: 2021-05-29. Review status: criteria provided, single submitter. Criteria: Invitae Variant Classification Sherloc (09022015). Collection method: clinical testing. Allele origin: germline.
Comment: This variant has not been reported in the literature in individuals with COL1A1-related conditions. This variant is not present in population databases (ExAC no frequency). This sequence change replaces valine with isoleucine at codon 41 of the COL1A1 protein (p.Val41Ile). The valine residue is moderately conserved and there is a small physicochemical difference between valine and isoleucine. Advanced modeling of protein sequence and biophysical properties (such as structural, functional, and spatial information, amino acid conservation, physicochemical variation, residue mobility, and thermodynamic stability) performed at Invitae indicates that this missense variant is not expected to disrupt COL1A1 protein function. In summary, the available evidence is currently insufficient to determine the role of this variant in disease. Therefore, it has been classified as a Variant of Uncertain Significance.